The following is an entry in ClinVar:

ClinVar aggregate classification (germline): Uncertain significance (1 of 4 stars; one submission).

Conditions:
Early-infantile DEE. Also called: Early infantile epileptic encephalopathy; Early infantile epileptic encephalopathy with suppression bursts; Ohtahara syndrome. Identifiers: Orphanet 1934, MedGen C0393706, MONDO:0800491.

Submission:

Labcorp Genetics (formerly Invitae), Labcorp
Classification: Uncertain significance for Early-infantile DEE. Last evaluated: 2021-10-13. Review status: criteria provided, single submitter. Criteria: Invitae Variant Classification Sherloc (09022015). Collection method: clinical testing. Allele origin: germline.
Comment: This sequence change replaces arginine with glutamine at codon 1892 of the SCN1A protein (p.Arg1892Gln). The arginine residue is highly conserved and there is a small physicochemical difference between arginine and glutamine. This variant is not present in population databases (ExAC no frequency). This variant has not been reported in the literature in individuals affected with SCN1A-related conditions. Advanced modeling of protein sequence and biophysical properties (such as structural, functional, and spatial information, amino acid conservation, physicochemical variation, residue mobility, and thermodynamic stability) performed at Invitae indicates that this missense variant is expected to disrupt SCN1A protein function. In summary, the available evidence is currently insufficient to determine the role of this variant in disease. Therefore, it has been classified as a Variant of Uncertain Significance.

NM_001165963.4(SCN1A):c.5675G>A (p.Arg1892Gln)

Genes: SCN1A (sodium voltage-gated channel alpha subunit 1; minus strand), LOC102724058 (uncharacterized LOC102724058; plus strand). Cytogenetic location: 2q24.3.
Variant type: single nucleotide variant.
Coding change: c.5675G>A on transcript NM_001165963.4 (MANE Select); coding-DNA position 5675, G replaced by A.
Protein change: p.Arg1892Gln; replaces arginine 1892 with glutamine.
Molecular consequence: missense variant. On other transcripts: non-coding transcript variant (1).
Genome position (GRCh38, 1-based): chr2:165,991,600, C>T on the plus strand (G>A on the coding strand, the complement: SCN1A is on the minus strand). VCF-style: chr2-165991600-C-T. GRCh37 (hg19) VCF-style: chr2-166848110-C-T.
Other names: c.5591G>A, p.Arg1864Gln (NM_001165964.3, NM_001353957.2, NM_001353958.2); c.5675G>A, p.Arg1892Gln (NM_001202435.3, NM_001353948.2); c.5642G>A, p.Arg1881Gln (NM_001353949.2, NM_001353950.2, NM_001353951.2 and 2 more transcripts); c.5639G>A, p.Arg1880Gln (NM_001353954.2, NM_001353955.2); c.5588G>A, p.Arg1863Gln (NM_001353960.2); c.3233G>A, p.Arg1078Gln (NM_001353961.2); short protein forms R1078Q, R1863Q, R1892Q, R1864Q, R1881Q, R1880Q.
Identifiers: ClinVar variation 1399861 (VCV001399861.7), dbSNP rs2105424575, ClinGen allele CA349064868.
Genomic context (GRCh38, chr2:165,991,600, plus strand): 5'-CGTTTTAAAGTAGTAGTGATTGGCTGATAGGAGACCTTGGAAGGATTGGAAGCCATGAAT[C>T]GCTCTTCCATCTGTATTCGTAGAGCATCCATCTCTCCACTCTCTCCTAGAACCCGCTTTG-3'
Protein context (NP_001159435.1, residues 1882-1902): MDALRIQMEE[Arg1892Gln]FMASNPSKVS